The following is an entry in ClinVar:

NM_001009944.3(PKD1):c.12004-4G>A

Gene: PKD1 (polycystin 1, transient receptor potential channel interacting; minus strand). Cytogenetic location: 16p13.3.
Variant type: single nucleotide variant.
Coding change: c.12004-4G>A on transcript NM_001009944.3 (MANE Select); 4 bases into the intron before coding-DNA position 12004, G replaced by A.
Molecular consequence: intron variant.
Genome position (GRCh38, 1-based): chr16:2,090,812, C>T on the plus strand (G>A on the coding strand, the complement: PKD1 is on the minus strand). VCF-style: chr16-2090812-C-T. GRCh37 (hg19) VCF-style: chr16-2140813-C-T.
Other names: c.12001-4G>A (NM_000296.4).
Identifiers: ClinVar variation 5002648 (VCV005002648.1).

ClinVar aggregate classification (germline): Likely benign (1 of 4 stars; one submission).

Conditions:
PKD1-related disorder. Also called: PKD1-related condition.

gnomAD v4.1: 3 of 1,612,262 alleles (0.00019%); highest among the groups gnomAD compares: Non-Finnish European, 0.00025%; no homozygotes.

Submission:

PreventionGenetics, part of Exact Sciences
Classification: Likely benign for PKD1-related condition. Last evaluated: 2026-08-11. Review status: criteria provided, single submitter. Criteria: ACMG Guidelines, 2015. Collection method: clinical testing. Allele origin: germline.
Comment: This variant is classified as likely benign based on ACMG/AMP sequence variant interpretation guidelines (Richards et al. 2015 PMID: 25741868, with internal and published modifications).